The following is an entry in ClinVar:

ClinVar aggregate classification (germline): Conflicting classifications of pathogenicity. Review status: criteria provided, conflicting classifications (1 of 4 stars). 2 submissions from 2 submitters: Uncertain significance (1); Benign (1). Last evaluated 2025-07-18.

Conditions:
Birt-Hogg-Dube syndrome 1 (BHD1). Also called: FIBROFOLLICULOMAS WITH TRICHODISCOMAS AND ACROCHORDONS. Identifiers: Orphanet 122, MedGen CN375946, MONDO:0800445, OMIM 135150.

gnomAD v4.1: 4 of 1,614,032 alleles (0.00025%); highest among the groups gnomAD compares: African/African-American, 0.004%; no homozygotes.

Submissions (2):

Quest Diagnostics Nichols Institute San Juan Capistrano
Classification: Uncertain significance. Last evaluated: 2025-07-18. Review status: criteria provided, single submitter. Criteria: Quest Diagnostics criteria. Collection method: clinical testing. Allele origin: unknown.
Comment: The FLCN c.*10C>T variant has not been reported in individuals with FLCN-related conditions in the published literature. The frequency of this variant in the general population (Genome Aggregation Database) is uninformative in the assessment of its pathogenicity. Based on the available information, we are unable to determine the clinical significance of this variant.

Myriad Genetics, Inc.
Classification: Benign for Birt-Hogg-Dube syndrome 1. Last evaluated: 2024-10-28. Review status: criteria provided, single submitter. Criteria: Myriad Autosomal Dominant, Autosomal Recessive and X-Linked Classification Criteria (2023). Collection method: clinical testing. Allele origin: unknown.
Comment: This variant is considered benign. This variant occurs in the non-coding 3' untranslated region of the gene, and is not expected to impact protein function.

NM_144997.7(FLCN):c.*10C>T

Gene: FLCN (folliculin; minus strand). Cytogenetic location: 17p11.2.
Variant type: single nucleotide variant.
Coding change: c.*10C>T on transcript NM_144997.7 (MANE Select); 10 bases downstream of the stop codon, C replaced by T.
Molecular consequence: 3 prime UTR variant.
Genome position (GRCh38, 1-based): chr17:17,213,645, G>A on the plus strand (C>T on the coding strand, the complement: FLCN is on the minus strand). VCF-style: chr17-17213645-G-A. GRCh37 (hg19) VCF-style: chr17-17116959-G-A.
Other names: c.*10C>T (NM_001353229.2, NM_001353230.2, NM_001353231.2 and 1 more transcripts).
Identifiers: ClinVar variation 3773087 (VCV003773087.2).